The following is an entry in ClinVar:

ClinVar aggregate classification (germline): Pathogenic. Review status: reviewed by expert panel (3 of 4 stars). 3 submissions from 3 submitters: Pathogenic (1). 2 of the submissions do not count toward it. Last evaluated 2021-08-24.

Conditions:
Monogenic diabetes. Identifiers: Orphanet 183625, MedGen C3888631, MONDO:0015967.
Maturity-onset diabetes of the young (MODY). Also called: Maturity onset diabetes mellitus in young. Identifiers: Orphanet 552, MedGen C0342276, MONDO:0018911, HP:0004904.

Submissions (3):

ClinGen Monogenic Diabetes Variant Curation Expert Panel
Classification: Pathogenic for Monogenic diabetes. Last evaluated: 2021-08-24. Review status: reviewed by expert panel. Criteria: ClinGen Diabetes ACMG Specifications v1 1. Collection method: curation. Allele origin: germline. Inheritance: Autosomal dominant inheritance.
Comment: The c.956-1G>A variant in the HNF1 homeobox A gene, HNF1A, is predicted to remove a canonical splice acceptor site in intron 4 of NM_000545.8. This variant is predicted to cause skipping of biologically-relevant exon 5 of 10, resulting in a frameshift, leading to nonsense mediated decay in a gene in which loss-of-function is an established disease mechanism (PVS1; PMID: 23348805). The nucleotide change c.956-1G>C, which is predicted to disrupt the intron splice acceptor site to a similar extent as c.956-1G>A, has been classified as pathogenic for monogenic diabetes by the ClinGen MDEP (PS1_Supporting). This variant is absent in gnomAD v2.1.1 (PM2_Supporting), and was identified in an individual with diabetes; however, the MODY probability is unable to be calculated due to lack of clinical information (ClinVar ID 586798). ACMG/AMP criteria applied, as specified by the ClinGen MDEP VCEP (specification version 1.0, approved 8/24/21): PVS1, PM2_Supporting, PS1_Supporting.

Athena Diagnostics
Classification: Likely pathogenic. Last evaluated: 2017-11-06. Review status: criteria provided, single submitter. Criteria: Athena Diagnostics Criteria. Collection method: clinical testing. Allele origin: germline. Not counted in ClinVar's aggregate classification.

Clinical Genomics, Uppaluri K&H Personalized Medicine Clinic
Classification: Pathogenic for Maturity-onset diabetes of the young. Review status: criteria provided, single submitter. Criteria: K & H Uppaluri Personalized Medicine Clinic Variant Classification & Assertion Criteria_Updated V.1. Collection method: research. Allele origin: unknown. Inheritance: Autosomal dominant inheritance. Not counted in ClinVar's aggregate classification.
Comment: Mutations in HNF1A gene can predispose to MODY3. It is associated with both micro and macrovascular complications of diabetes, especially cardiovascular complications. Associated with glucosuria. May respond well to sulfonylureas. However, more evidence is required to confer the association of this particular variant rs1565886545 with MODY3.

Literature cited by the submitters: PubMed 31517624 (cited by Clinical Genomics, Uppaluri K&H Personalized Medicine Clinic); PubMed 32395877 (cited by Clinical Genomics, Uppaluri K&H Personalized Medicine Clinic); PubMed 35328643 (cited by Clinical Genomics, Uppaluri K&H Personalized Medicine Clinic).

NM_000545.8(HNF1A):c.956-1G>A

Gene: HNF1A (HNF1 homeobox A; plus strand). Cytogenetic location: 12q24.31.
Variant type: single nucleotide variant.
Coding change: c.956-1G>A on transcript NM_000545.8 (MANE Select); the canonical splice acceptor site of the intron before coding-DNA position 956, G replaced by A.
Molecular consequence: splice acceptor variant.
Genome position (GRCh38, 1-based): chr12:120,996,261, G>A. VCF-style: chr12-120996261-G-A. GRCh37 (hg19) VCF-style: chr12-121434064-G-A.
Other names: NM_000545.6(HNF1A):c.956-1G>A; c.956-1G>A (NM_001306179.2, NM_001406915.1).
Identifiers: ClinVar variation 586798 (VCV000586798.5), dbSNP rs1565886545, ClinGen allele CA386967822.